The following is an entry in ClinVar:

NM_001135032.2(EVA1A):c.235AGCGACAGC[1] (p.79SDS[1])

Gene: EVA1A (eva-1 homolog A, regulator of programmed cell death; minus strand). Cytogenetic location: 2p12.
Variant type: Microsatellite.
Coding change: c.235AGCGACAGC[1] on transcript NM_001135032.2 (MANE Select); one copy of the 9-base unit AGCGACAGC starting at c.235; the reference has two copies in a row; one copy, 9 bases deleted.
Protein change: p.79SDS[1].
Genome position (GRCh38, 1-based): chr2:75,493,443-75,493,451, GCTGTCGCT deleted on the plus strand (AGCGACAGC on the coding strand, the reverse complement: EVA1A is on the minus strand); deleting any 9 consecutive bases within chr2:75,493,443-75,493,464 gives the same sequence; the position shown is the placement nearest the transcript's 3' end. VCF-style (leftmost placement, unchanged base first): chr2-75493442-CGCTGTCGCT-C. GRCh37 (hg19) VCF-style: chr2-75720568-CGCTGTCGCT-C.
Other names: c.235AGCGACAGC[1], p.79SDS[1] (NM_001369524.1, NM_001369525.1, NM_032181.3).
Identifiers: ClinVar variation 3055669 (VCV003055669.2), dbSNP rs148155576, ClinGen allele CA1732366.

ClinVar aggregate classification (germline): Benign (0 of 4 stars; one submission).

Conditions:
EVA1A-related disorder. Also called: EVA1A-related condition.

Submission:

PreventionGenetics, part of Exact Sciences
Classification: Benign for EVA1A-related condition. Last evaluated: 2019-09-13. Review status: no assertion criteria provided. Collection method: clinical testing. Allele origin: germline.
Comment: This variant is classified as benign based on ACMG/AMP sequence variant interpretation guidelines (Richards et al. 2015 PMID: 25741868, with internal and published modifications).